The following is an entry in ClinVar:

NM_003560.4(PLA2G6):c.2251G>T (p.Glu751Ter)

Gene: PLA2G6 (phospholipase A2 group VI; minus strand). Cytogenetic location: 22q13.1.
Variant type: single nucleotide variant.
Coding change: c.2251G>T on transcript NM_003560.4 (MANE Select); coding-DNA position 2251, G replaced by T.
Protein change: p.Glu751Ter; replaces glutamic acid 751 with a stop codon.
Molecular consequence: nonsense.
Genome position (GRCh38, 1-based): chr22:38,112,529, C>A on the plus strand (G>T on the coding strand, the complement: PLA2G6 is on the minus strand). VCF-style: chr22-38112529-C-A. GRCh37 (hg19) VCF-style: chr22-38508536-C-A.
Other names: c.2089G>T, p.Glu697Ter (NM_001004426.3, NM_001199562.3, NM_001349865.2 and 1 more transcripts); c.2251G>T, p.Glu751Ter (NM_001349864.2); c.1717G>T, p.Glu573Ter (NM_001349867.2); c.1573G>T, p.Glu525Ter (NM_001349868.2); c.1555G>T, p.Glu519Ter (NM_001349869.2); short protein forms E519*, E525*, E573*, E697*, E751*.
Identifiers: ClinVar variation 1012698 (VCV001012698.41), dbSNP rs1296348337, ClinGen allele CA411523339.

ClinVar aggregate classification (germline): Pathogenic. Review status: criteria provided, multiple submitters, no conflicts (2 of 4 stars). 2 submissions from 2 submitters: Pathogenic (2). Last evaluated 2024-03-29.

Conditions:
Infantile neuroaxonal dystrophy (NBIA2A). Also called: Infantile neuroaxonal dystrophy 1; SEITELBERGER DISEASE; NEURODEGENERATION WITH BRAIN IRON ACCUMULATION 2A. Identifiers: Orphanet 35069, MedGen C0270724, MONDO:0024457, OMIM 256600.

gnomAD v4.1: 1 of 1,555,938 alleles (0.000064%); highest among the groups gnomAD compares: Non-Finnish European, 0.000087%; no homozygotes.

Submissions (2):

Labcorp Genetics (formerly Invitae), Labcorp
Classification: Pathogenic for Infantile neuroaxonal dystrophy. Last evaluated: 2024-03-29. Review status: criteria provided, single submitter. Criteria: Invitae Variant Classification Sherloc (09022015). Collection method: clinical testing. Allele origin: germline.
Comment: This sequence change creates a premature translational stop signal (p.Glu751*) in the PLA2G6 gene. While this is not anticipated to result in nonsense mediated decay, it is expected to disrupt the last 56 amino acid(s) of the PLA2G6 protein. This variant is not present in population databases (gnomAD no frequency). This premature translational stop signal has been observed in individual(s) with infantile neuroaxonal dystrophy (PMID: 18799783). ClinVar contains an entry for this variant (Variation ID: 1012698). This variant disrupts a region of the PLA2G6 protein in which other variant(s) (p.Tyr790*) have been determined to be pathogenic (PMID: 16783378, 20886109, 27378808). This suggests that this is a clinically significant region of the protein, and that variants that disrupt it are likely to be disease-causing. For these reasons, this variant has been classified as Pathogenic.

CeGaT Center for Human Genetics Tuebingen
Classification: Pathogenic. Last evaluated: 2020-12-01. Review status: criteria provided, single submitter. Criteria: CeGaT Center For Human Genetics Tuebingen Variant Classification Criteria Version 2. Collection method: clinical testing. Allele origin: germline. Affected: yes. Observed: 1 variant allele.

Literature cited by the submitters: PubMed 18799783 (cited by Labcorp Genetics (formerly Invitae), Labcorp); PubMed 16783378 (cited by Labcorp Genetics (formerly Invitae), Labcorp); PubMed 20886109 (cited by Labcorp Genetics (formerly Invitae), Labcorp); PubMed 27378808 (cited by Labcorp Genetics (formerly Invitae), Labcorp).